The following is an entry in ClinVar:

NM_020928.2(ZSWIM6):c.2327C>T (p.Ser776Phe)

Gene: ZSWIM6 (zinc finger SWIM-type containing 6; plus strand). Cytogenetic location: 5q12.1.
Variant type: single nucleotide variant.
Coding change: c.2327C>T on transcript NM_020928.2 (MANE Select); coding-DNA position 2327, C replaced by T.
Protein change: p.Ser776Phe; replaces serine 776 with phenylalanine.
Molecular consequence: missense variant.
Genome position (GRCh38, 1-based): chr5:61,535,565, C>T. VCF-style: chr5-61535565-C-T. GRCh37 (hg19) VCF-style: chr5-60831392-C-T.
Other names: short protein forms S776F.
Identifiers: ClinVar variation 3731236 (VCV003731236.2).

ClinVar aggregate classification (germline): Uncertain significance (1 of 4 stars; one submission).

Submission:

GeneDx
Classification: Uncertain significance. Last evaluated: 2026-10-14. Review status: criteria provided, single submitter. Criteria: GeneDx Variant Classification Process June 2021. Collection method: clinical testing. Allele origin: germline.
Comment: Not observed at significant frequency in large population cohorts (gnomAD); In silico analysis supports that this missense variant has a deleterious effect on protein structure/function; Has not been previously published as pathogenic or benign to our knowledge